The following is an entry in ClinVar:

ClinVar aggregate classification (germline): Uncertain significance (1 of 4 stars; one submission).

Conditions:
Inborn genetic diseases. Identifiers: MedGen C0950123, MeSH D030342.

gnomAD v4.1: 1 of 1,614,062 alleles (0.000062%); highest among the groups gnomAD compares: Non-Finnish European, 0.000085%; no homozygotes.

Submission:

Ambry Genetics
Classification: Uncertain significance for Inborn genetic diseases. Last evaluated: 2025-04-04. Review status: criteria provided, single submitter. Criteria: Ambry Variant Classification Scheme 2023. Collection method: clinical testing. Allele origin: germline.
Comment: The p.S1422G variant (also known as c.4264A>G), located in coding exon 13 of the ASXL1 gene, results from an A to G substitution at nucleotide position 4264. The serine at codon 1422 is replaced by glycine, an amino acid with similar properties. This amino acid position is conserved. In addition, this alteration is predicted to be tolerated by in silico analysis. Based on the available evidence, the clinical significance of this variant remains unclear.

NM_015338.6(ASXL1):c.4264A>G (p.Ser1422Gly)

Gene: ASXL1 (ASXL transcriptional regulator 1; plus strand). Cytogenetic location: 20q11.21.
Variant type: single nucleotide variant.
Coding change: c.4264A>G on transcript NM_015338.6 (MANE Select); coding-DNA position 4264, A replaced by G.
Protein change: p.Ser1422Gly; replaces serine 1422 with glycine.
Molecular consequence: missense variant.
Genome position (GRCh38, 1-based): chr20:32,436,976, A>G. VCF-style: chr20-32436976-A-G. GRCh37 (hg19) VCF-style: chr20-31024779-A-G.
Other names: c.4081A>G, p.Ser1361Gly (NM_001363734.1); short protein forms S1422G, S1361G.
Identifiers: ClinVar variation 3955754 (VCV003955754.1).
Genomic context (GRCh38, chr20:32,436,976, plus strand): 5'-ATGCCCTTTGTCATGGACTTGCCCTTCTGGAAATTACCCCGAGAGCCAGGGAAGGGGCTC[A>G]GTGAGCCTCTGGAGCCTTCTTCTCTCCCCTCCCAACTCAGCATCAAGCAGGCATTTTATG-3'
Protein context (NP_056153.2, residues 1412-1432): KLPREPGKGL[Ser1422Gly]EPLEPSSLPS